The following is an entry in ClinVar:

NM_017662.5(TRPM6):c.4764T>C (p.Asn1588=)

Gene: TRPM6 (transient receptor potential cation channel subfamily M member 6; minus strand). Cytogenetic location: 9q21.13.
Variant type: single nucleotide variant.
Coding change: c.4764T>C on transcript NM_017662.5 (MANE Select); coding-DNA position 4764, T replaced by C.
Protein change: p.Asn1588=; no amino-acid change (asparagine 1588 retained).
Molecular consequence: synonymous variant.
Genome position (GRCh38, 1-based): chr9:74,761,717, A>G on the plus strand (T>C on the coding strand, the complement: TRPM6 is on the minus strand). VCF-style: chr9-74761717-A-G. GRCh37 (hg19) VCF-style: chr9-77376633-A-G.
Other names: p.Asn1588=; c.4749T>C, p.Asn1583= (NM_001177310.2, NM_001177311.2).
Identifiers: ClinVar variation 367300 (VCV000367300.17), dbSNP rs2274925, ClinGen allele CA5084032.
Genomic context (GRCh38, chr9:74,761,717, plus strand): 5'-CTGCTCAAAACCTAAAAGACAGAATAACAGTACACTTACTGGCACCTGGAGTCCTTGAGT[A>G]TTCTTCTTTTTCTTTGACAGTCTCCTGTCTTTGGTTAGCATTTTCGCTTTGACCCATGCT-3'
Protein context (NP_060132.3, residues 1578-1598): KDRRLSKKKK[Asn1588=]TQGLQVPIIT

ClinVar aggregate classification (germline): Benign. Review status: criteria provided, multiple submitters, no conflicts (2 of 4 stars). 5 submissions from 5 submitters: Benign (5). Last evaluated 2026-02-01.

Conditions:
Intestinal hypomagnesemia 1. Also called: HYPOMAGNESEMIA, INTESTINAL, WITH SECONDARY HYPOCALCEMIA; HYPOMAGNESEMIC TETANY. Identifiers: Orphanet 30924, MedGen C1865974, MONDO:0011176, OMIM 602014.

Allele frequency attached by ClinVar (database versions not stated): gnomAD exomes 0.07860 and 0.09371; ExAC 0.10159; gnomAD 0.14181 and 0.14509; TOPMed 0.15183; ESP Exome Variant Server 0.15308; 1000 Genomes Project 0.16873; 1000 Genomes Project 30x 0.17505.
gnomAD v4.1: 136,965 of 1,608,974 alleles (8.5%); highest among the groups gnomAD compares: African/African-American, 31%; 8,590 homozygotes.

Submissions (5):

Labcorp Genetics (formerly Invitae), Labcorp
Classification: Benign. Last evaluated: 2026-02-01. Review status: criteria provided, single submitter. Criteria: Invitae Variant Classification Sherloc (09022015). Collection method: clinical testing. Allele origin: germline.

Mayo Clinic Laboratories, Mayo Clinic
Classification: Benign. Last evaluated: 2022-03-09. Review status: criteria provided, single submitter. Criteria: ACMG Guidelines, 2015. Collection method: clinical testing. Allele origin: germline. Observed: 35 variant alleles.

GeneDx
Classification: Benign. Last evaluated: 2019-11-22. Review status: criteria provided, single submitter. Criteria: GeneDx Variant Classification Process June 2021. Collection method: clinical testing. Allele origin: germline. Affected: yes.

Illumina Laboratory Services, Illumina
Classification: Benign for Intestinal hypomagnesemia 1. Last evaluated: 2018-01-13. Review status: criteria provided, single submitter. Criteria: ICSL Variant Classification Criteria 13 December 2019. Collection method: clinical testing. Allele origin: germline.
Comment: This variant was observed in the ICSL laboratory as part of a predisposition screen in an ostensibly healthy population. It had not been previously curated by ICSL or reported in the Human Gene Mutation Database (HGMD: prior to June 1st, 2018), and was therefore a candidate for classification through an automated scoring system. Utilizing variant allele frequency, disease prevalence and penetrance estimates, and inheritance mode, an automated score was calculated to assess if this variant is too frequent to cause the disease. Based on the score and internal cut-off values, a variant classified as benign is not then subjected to further curation. The score for this variant resulted in a classification of benign for this disease.

Breakthrough Genomics
Classification: Benign. Review status: criteria provided, single submitter. Criteria: ACMG Guidelines, 2015. Collection method: not provided. Allele origin: germline. Inheritance: Autosomal recessive inheritance. Affected: yes.